The following is an entry in ClinVar:

ClinVar aggregate classification (germline): Likely benign (1 of 4 stars; one submission).

Allele frequency attached by ClinVar (database versions not stated): gnomAD exomes below 0.00001; gnomAD 0.00001.
gnomAD v4.1: 3 of 1,614,026 alleles (0.00019%); highest among the groups gnomAD compares: South Asian, 0.0011%; no homozygotes.

Submission:

CeGaT Center for Human Genetics Tuebingen
Classification: Likely benign. Last evaluated: 2023-09-01. Review status: criteria provided, single submitter. Criteria: CeGaT Center For Human Genetics Tuebingen Variant Classification Criteria Version 2. Collection method: clinical testing. Allele origin: germline. Affected: yes. Observed: 1 variant allele.
Comment: LINS1: BP4, BP7

NM_001040616.3(LINS1):c.1659C>T (p.Asp553=)

Gene: LINS1 (lines homolog 1; minus strand). Cytogenetic location: 15q26.3.
Variant type: single nucleotide variant.
Coding change: c.1659C>T on transcript NM_001040616.3 (MANE Select); coding-DNA position 1659, C replaced by T.
Protein change: p.Asp553=; no amino-acid change (aspartic acid 553 retained).
Molecular consequence: synonymous variant. On other transcripts: non-coding transcript variant (3).
Genome position (GRCh38, 1-based): chr15:100,569,853, G>A on the plus strand (C>T on the coding strand, the complement: LINS1 is on the minus strand). VCF-style: chr15-100569853-G-A. GRCh37 (hg19) VCF-style: chr15-101110058-G-A.
Other names: c.912C>T, p.Asp304= (NM_001352507.2); c.1506C>T, p.Asp502= (NM_001352508.2).
Identifiers: ClinVar variation 2645746 (VCV002645746.24), dbSNP rs1341498911, ClinGen allele CA492685531.